The following is an entry in ClinVar:

ClinVar aggregate classification (germline): Uncertain significance. Review status: criteria provided, single submitter (1 of 4 stars). 2 submissions from 2 submitters: Uncertain significance (1). 1 of the submissions does not count toward it. Last evaluated 2025-08-21.

Conditions:
ZFHX2-related disorder. Also called: ZFHX2-related condition.

Allele frequency attached by ClinVar (database versions not stated): ExAC 0.00045; 1000 Genomes Project 0.00160; 1000 Genomes Project 30x 0.00203; TOPMed 0.00264.
gnomAD v4.1: 676 of 1,536,794 alleles (0.044%); highest among the groups gnomAD compares: African/African-American, 0.82%; 4 homozygotes.

Submissions (2):

Ambry Genetics
Classification: Uncertain significance. Last evaluated: 2025-08-21. Review status: criteria provided, single submitter. Criteria: Ambry Variant Classification Scheme 2023. Collection method: clinical testing. Allele origin: germline.

PreventionGenetics, part of Exact Sciences
Classification: Benign for ZFHX2-related condition. Last evaluated: 2019-08-20. Review status: no assertion criteria provided. Collection method: clinical testing. Allele origin: germline. Not counted in ClinVar's aggregate classification.
Comment: This variant is classified as benign based on ACMG/AMP sequence variant interpretation guidelines (Richards et al. 2015 PMID: 25741868, with internal and published modifications).

NM_033400.3(ZFHX2):c.910A>T (p.Ile304Leu)

Genes: THTPA (thiamine triphosphatase; plus strand), ZFHX2 (zinc finger homeobox 2; minus strand). Cytogenetic location: 14q11.2.
Variant type: single nucleotide variant.
Coding change: c.910A>T on transcript NM_033400.3 (MANE Select); coding-DNA position 910, A replaced by T.
Protein change: p.Ile304Leu; replaces isoleucine 304 with leucine.
Molecular consequence: missense variant.
Genome position (GRCh38, 1-based): chr14:23,534,416, T>A on the plus strand (A>T on the coding strand, the complement: ZFHX2 is on the minus strand). VCF-style: chr14-23534416-T-A. GRCh37 (hg19) VCF-style: chr14-24003625-T-A.
Other names: short protein forms I304L.
Identifiers: ClinVar variation 3038435 (VCV003038435.3), dbSNP rs190876809, ClinGen allele CA7117148.